The following is an entry in ClinVar:

ClinVar aggregate classification (germline): Uncertain significance (1 of 4 stars; one submission).

Allele frequency attached by ClinVar (database versions not stated): gnomAD exomes below 0.00001; gnomAD 0.00001; TOPMed 0.00001.
gnomAD v4.1: 7 of 1,613,744 alleles (0.00043%); highest among the groups gnomAD compares: African/African-American, 0.0013%; no homozygotes.

Submission:

Women's Health and Genetics/Laboratory Corporation of America, LabCorp
Classification: Uncertain significance. Last evaluated: 2023-10-12. Review status: criteria provided, single submitter. Criteria: LabCorp Variant Classification Summary - May 2015. Collection method: clinical testing. Allele origin: germline.
Comment: Variant summary: STAG1 c.776T>C (p.Ile259Thr) results in a non-conservative amino acid change located in the STAG domain (IPR013721) of the encoded protein sequence. Three of five in-silico tools predict a benign effect of the variant on protein function. The variant allele was found at a frequency of 8e-06 in 251244 control chromosomes (gnomAD). The available data on variant occurrences in the general population are insufficient to allow any conclusion about variant significance. To our knowledge, no occurrence of c.776T>C in individuals affected with Autosomal Dominant Mental Retardation and no experimental evidence demonstrating its impact on protein function have been reported. No submitters have cited clinical-significance assessments for this variant to ClinVar after 2014. Based on the evidence outlined above, the variant was classified as uncertain significance.

NM_005862.3(STAG1):c.776T>C (p.Ile259Thr)

Gene: STAG1 (STAG1 cohesin complex component; minus strand). Cytogenetic location: 3q22.3.
Variant type: single nucleotide variant.
Coding change: c.776T>C on transcript NM_005862.3 (MANE Select); coding-DNA position 776, T replaced by C.
Protein change: p.Ile259Thr; replaces isoleucine 259 with threonine.
Molecular consequence: missense variant.
Genome position (GRCh38, 1-based): chr3:136,502,680, A>G on the plus strand (T>C on the coding strand, the complement: STAG1 is on the minus strand). VCF-style: chr3-136502680-A-G. GRCh37 (hg19) VCF-style: chr3-136221522-A-G.
Other names: short protein forms I259T.
Identifiers: ClinVar variation 2637696 (VCV002637696.1), dbSNP rs1222207405, ClinGen allele CA354646581.
Genomic context (GRCh38, chr3:136,502,680, plus strand): 5'-AAACTTACCTCTTTGCGTTTCTGAAGTAGTAACTCCAACCTTTCATTGGCTCTCTTCCCA[A>G]TCATTTTATTTCTCTCGGCTTCATATTGTCTCTGGGTATTATCCTGATGAATACTGAGGT-3'
Protein context (NP_005853.2, residues 249-269): RQYEAERNKM[Ile259Thr]GKRANERLEL